The following is an entry in ClinVar:

NM_000342.4(SLC4A1):c.765G>A (p.Ala255=)

Gene: SLC4A1 (solute carrier family 4 member 1 (Diego blood group); minus strand). Cytogenetic location: 17q21.31.
Variant type: single nucleotide variant.
Coding change: c.765G>A on transcript NM_000342.4 (MANE Select); coding-DNA position 765, G replaced by A.
Protein change: p.Ala255=; no amino-acid change (alanine 255 retained).
Molecular consequence: synonymous variant.
Genome position (GRCh38, 1-based): chr17:44,259,274, C>T on the plus strand (G>A on the coding strand, the complement: SLC4A1 is on the minus strand). VCF-style: chr17-44259274-C-T. GRCh37 (hg19) VCF-style: chr17-42336642-C-T.
Identifiers: ClinVar variation 3028987 (VCV003028987.3), dbSNP rs144835638, ClinGen allele CA8600472.

ClinVar aggregate classification (germline): Likely benign. Review status: criteria provided, single submitter (1 of 4 stars). 2 submissions from 2 submitters: Likely benign (1). 1 of the submissions does not count toward it. Last evaluated 2024-11-07.

Conditions:
SLC4A1-related disorder. Also called: SLC4A1-related disorders; SLC4A1-related condition.

Allele frequency attached by ClinVar (database versions not stated): ESP Exome Variant Server 0.00008.
gnomAD v4.1: 64 of 1,613,836 alleles (0.004%); highest among the groups gnomAD compares: Non-Finnish European, 0.0049%; no homozygotes.

Submissions (2):

Blueprint Genetics
Classification: Likely benign. Last evaluated: 2024-11-07. Review status: criteria provided, single submitter. Criteria: ACMG Guidelines, 2015. Collection method: clinical testing. Allele origin: germline.

PreventionGenetics, part of Exact Sciences
Classification: Likely benign for SLC4A1-related condition. Last evaluated: 2022-06-21. Review status: no assertion criteria provided. Collection method: clinical testing. Allele origin: germline. Not counted in ClinVar's aggregate classification.
Comment: This variant is classified as likely benign based on ACMG/AMP sequence variant interpretation guidelines (Richards et al. 2015 PMID: 25741868, with internal and published modifications).